The following is an entry in ClinVar:

ClinVar aggregate classification (germline): Uncertain significance (1 of 4 stars; one submission).

Conditions:
Inborn genetic diseases. Identifiers: MedGen C0950123, MeSH D030342.

Submission:

Ambry Genetics
Classification: Uncertain significance for Inborn genetic diseases. Last evaluated: 2025-09-26. Review status: criteria provided, single submitter. Criteria: Ambry Variant Classification Scheme 2023. Collection method: clinical testing. Allele origin: germline.
Comment: The p.D139A variant (also known as c.416A>C), located in coding exon 5 of the DDX41 gene, results from an A to C substitution at nucleotide position 416. The aspartic acid at codon 139 is replaced by alanine, an amino acid with dissimilar properties. This amino acid position is conserved. In addition, this alteration is predicted to be tolerated by in silico analysis. Based on the available evidence, the clinical significance of this variant remains unclear.

NM_016222.4(DDX41):c.416A>C (p.Asp139Ala)

Gene: DDX41 (DEAD-box helicase 41; minus strand). Cytogenetic location: 5q35.3.
Variant type: single nucleotide variant.
Coding change: c.416A>C on transcript NM_016222.4 (MANE Select); coding-DNA position 416, A replaced by C.
Protein change: p.Asp139Ala; replaces aspartic acid 139 with alanine.
Molecular consequence: missense variant.
Genome position (GRCh38, 1-based): chr5:177,515,947, T>G on the plus strand (A>C on the coding strand, the complement: DDX41 is on the minus strand). VCF-style: chr5-177515947-T-G. GRCh37 (hg19) VCF-style: chr5-176942948-T-G.
Other names: c.38A>C, p.Asp13Ala (NM_001321732.2, NM_001321830.2); short protein forms D139A, D13A.
Identifiers: ClinVar variation 4617133 (VCV004617133.1).